The following is an entry in ClinVar:

ClinVar aggregate classification (germline): Benign/Likely benign. Review status: criteria provided, multiple submitters, no conflicts (2 of 4 stars). 2 submissions from 2 submitters: Benign (1); Likely benign (1). Last evaluated 2024-11-26.

Submissions (2):

Blueprint Genetics
Classification: Likely benign. Last evaluated: 2024-11-26. Review status: criteria provided, single submitter. Criteria: ACMG Guidelines, 2015. Collection method: clinical testing. Allele origin: germline.

CeGaT Center for Human Genetics Tuebingen
Classification: Benign. Last evaluated: 2024-08-01. Review status: criteria provided, single submitter. Criteria: CeGaT Center For Human Genetics Tuebingen Variant Classification Criteria Version 2. Collection method: clinical testing. Allele origin: germline. Affected: yes. Observed: 2 variant alleles.
Comment: DSPP: BP4, BS1, BS2

NM_014208.3(DSPP):c.3447A>C (p.Glu1149Asp)

Genes: DMP1-AS1 (DMP1 and DSPP antisense RNA 1; minus strand), DSPP (dentin sialophosphoprotein; plus strand). Cytogenetic location: 4q22.1.
Variant type: single nucleotide variant.
Coding change: c.3447A>C on transcript NM_014208.3 (MANE Select); coding-DNA position 3447, A replaced by C.
Protein change: p.Glu1149Asp; replaces glutamic acid 1149 with aspartic acid.
Molecular consequence: missense variant.
Genome position (GRCh38, 1-based): chr4:87,616,109, A>C. VCF-style: chr4-87616109-A-C. GRCh37 (hg19) VCF-style: chr4-88537261-A-C.
Other names: short protein forms E1149D.
Identifiers: ClinVar variation 2654918 (VCV002654918.25), dbSNP rs200612038, ClinGen allele CA3001708.